The following is an entry in ClinVar:

ClinVar aggregate classification (germline): Benign. Review status: criteria provided, multiple submitters, no conflicts (2 of 4 stars). 3 submissions from 3 submitters: Benign (3). Last evaluated 2026-02-01.

Conditions:
Progressive encephalopathy with leukodystrophy due to DECR deficiency. Identifiers: Orphanet 431361, MedGen C1857252, MONDO:0014464, OMIM 616034.

Allele frequency attached by ClinVar (database versions not stated): ESP Exome Variant Server 0.05446; gnomAD 0.05708 and 0.06063; TOPMed 0.06362; 1000 Genomes Project 0.06809; 1000 Genomes Project 30x 0.07261.
gnomAD v4.1: 17,681 of 1,569,272 alleles (1.1%); highest among the groups gnomAD compares: African/African-American, 20%; 1,492 homozygotes.

Submissions (3):

Labcorp Genetics (formerly Invitae), Labcorp
Classification: Benign for Progressive encephalopathy with leukodystrophy due to DECR deficiency. Last evaluated: 2026-02-01. Review status: criteria provided, single submitter. Criteria: Invitae Variant Classification Sherloc (09022015). Collection method: clinical testing. Allele origin: germline.

GeneDx
Classification: Benign. Last evaluated: 2015-12-22. Review status: criteria provided, single submitter. Criteria: GeneDx Variant Classification (06012015). Collection method: clinical testing. Allele origin: germline. Affected: yes.
Comment: This variant is considered likely benign or benign based on one or more of the following criteria: it is a conservative change, it occurs at a poorly conserved position in the protein, it is predicted to be benign by multiple in silico algorithms, and/or has population frequency not consistent with disease.

Breakthrough Genomics
Classification: Benign. Review status: criteria provided, single submitter. Criteria: ACMG Guidelines, 2015. Collection method: not provided. Allele origin: germline. Inheritance: Autosomal recessive inheritance. Affected: yes.

NM_001085411.3(NADK2):c.258G>A (p.Arg86=)

Genes: NADK2 (NAD kinase 2, mitochondrial; minus strand), LOC129993801 (ATAC-STARR-seq lymphoblastoid silent region 15972; plus strand). Cytogenetic location: 5p13.2.
Variant type: single nucleotide variant.
Coding change: c.258G>A on transcript NM_001085411.3 (MANE Select); coding-DNA position 258, G replaced by A.
Protein change: p.Arg86=; no amino-acid change (arginine 86 retained).
Molecular consequence: synonymous variant. On other transcripts: intron variant (2).
Genome position (GRCh38, 1-based): chr5:36,241,541, C>T on the plus strand (G>A on the coding strand, the complement: NADK2 is on the minus strand). VCF-style: chr5-36241541-C-T. GRCh37 (hg19) VCF-style: chr5-36241643-C-T.
Other names: c.-190+555G>A (NM_153013.5, NM_001287341.2).
Identifiers: ClinVar variation 380097 (VCV000380097.12), dbSNP rs6891700, ClinGen allele CA3234792.